The following is an entry in ClinVar:

NM_003560.4(PLA2G6):c.1592-1G>C

Gene: PLA2G6 (phospholipase A2 group VI; minus strand). Cytogenetic location: 22q13.1.
Variant type: single nucleotide variant.
Coding change: c.1592-1G>C on transcript NM_003560.4 (MANE Select); the canonical splice acceptor site of the intron before coding-DNA position 1592, G replaced by C.
Molecular consequence: splice acceptor variant.
Genome position (GRCh38, 1-based): chr22:38,120,910, C>G on the plus strand (G>C on the coding strand, the complement: PLA2G6 is on the minus strand). VCF-style: chr22-38120910-C-G. GRCh37 (hg19) VCF-style: chr22-38516917-C-G.
Other names: c.914-1G>C (NM_001349868.2); c.1430-1G>C (NM_001349866.2, NM_001199562.3, NM_001349865.2 and 1 more transcripts); c.896-1G>C (NM_001349869.2); c.1058-1G>C (NM_001349867.2); c.1592-1G>C (NM_001349864.2).
Identifiers: ClinVar variation 2968486 (VCV002968486.3), dbSNP rs2517952110, ClinGen allele CA411527751.

ClinVar aggregate classification (germline): Likely pathogenic (1 of 4 stars; one submission).

Conditions:
Infantile neuroaxonal dystrophy (NBIA2A). Also called: NEURODEGENERATION WITH BRAIN IRON ACCUMULATION 2A; SEITELBERGER DISEASE; Infantile neuroaxonal dystrophy 1. Identifiers: Orphanet 35069, MedGen C0270724, MONDO:0024457, OMIM 256600.

Allele frequency attached by ClinVar (database versions not stated): gnomAD exomes below 0.00001.
gnomAD v4.1: 4 of 1,613,400 alleles (0.00025%); highest among the groups gnomAD compares: Non-Finnish European, 0.00034%; no homozygotes.

Submission:

Labcorp Genetics (formerly Invitae), Labcorp
Classification: Likely pathogenic for Infantile neuroaxonal dystrophy. Last evaluated: 2024-12-03. Review status: criteria provided, single submitter. Criteria: Invitae Variant Classification Sherloc (09022015). Collection method: clinical testing. Allele origin: germline.
Comment: This sequence change affects an acceptor splice site in intron 11 of the PLA2G6 gene. It is expected to disrupt RNA splicing. Variants that disrupt the donor or acceptor splice site typically lead to a loss of protein function (PMID: 16199547), and loss-of-function variants in PLA2G6 are known to be pathogenic (PMID: 16783378, 18570303, 18799783, 22213678). This variant is not present in population databases (gnomAD no frequency). This variant has not been reported in the literature in individuals affected with PLA2G6-related conditions. ClinVar contains an entry for this variant (Variation ID: 2968486). Algorithms developed to predict the effect of sequence changes on RNA splicing suggest that this variant may disrupt the consensus splice site. In summary, the currently available evidence indicates that the variant is pathogenic, but additional data are needed to prove that conclusively. Therefore, this variant has been classified as Likely Pathogenic.

Literature cited by the submitters: PubMed 16199547; PubMed 16783378; PubMed 18570303; PubMed 18799783; PubMed 22213678.